The following is an entry in ClinVar:

NM_000059.4(BRCA2):c.1932AAG[1] (p.Arg645del)

Gene: BRCA2 (BRCA2 DNA repair associated; plus strand). Cytogenetic location: 13q13.1.
Variant type: Microsatellite.
Coding change: c.1932AAG[1] on transcript NM_000059.4 (MANE Select); one copy of the 3-base unit AAG starting at c.1932; the reference has two copies in a row; one copy, 3 bases deleted.
Protein change: p.Arg645del; deletes arginine 645.
Molecular consequence: non-coding transcript variant (on NR_176251.1). On other transcripts: intron variant (2).
Genome position (GRCh38, 1-based): chr13:32,336,290-32,336,292, AAG deleted; deleting any 3 consecutive bases within chr13:32,336,287-32,336,292 gives the same sequence; the position shown is the placement nearest the transcript's 3' end. VCF-style (leftmost placement, unchanged base first): chr13-32336286-AAAG-A. GRCh37 (hg19) VCF-style: chr13-32910423-AAAG-A.
Other names: c.1932AAG[1], p.Arg645del (NM_001406719.1, NM_001406720.1, NM_001432077.1); c.1909+2903_1909+2905del (NM_001406721.1); c.424+5260_424+5262del (NM_001406722.1); short protein forms R645del.
Identifiers: ClinVar variation 3663764 (VCV003663764.2).

ClinVar aggregate classification (germline): Uncertain significance (1 of 4 stars; one submission).

Conditions:
Hereditary breast ovarian cancer syndrome. Also called: Hereditary breast and ovarian cancer syndrome; Hereditary breast and/or ovarian cancer syndrome; Hereditary breast and ovarian cancer; Breast and ovarian cancer; Hereditary breast and ovarian cancer syndrome (HBOC); BRCA1- and BRCA2-Associated Hereditary Breast and Ovarian Cancer. Identifiers: Orphanet 145, MedGen C0677776, MeSH D061325, MONDO:0003582. Disease mechanism: loss of function.

Submission:

Labcorp Genetics (formerly Invitae), Labcorp
Classification: Uncertain significance for Hereditary breast ovarian cancer syndrome. Last evaluated: 2024-08-28. Review status: criteria provided, single submitter. Criteria: Invitae Variant Classification Sherloc (09022015). Collection method: clinical testing. Allele origin: germline.
Comment: This variant, c.1935_1937del, results in the deletion of 1 amino acid(s) of the BRCA2 protein (p.Arg645del), but otherwise preserves the integrity of the reading frame. This variant is not present in population databases (gnomAD no frequency). This variant has not been reported in the literature in individuals affected with BRCA2-related conditions. Experimental studies and prediction algorithms are not available or were not evaluated, and the functional significance of this variant is currently unknown. In summary, the available evidence is currently insufficient to determine the role of this variant in disease. Therefore, it has been classified as a Variant of Uncertain Significance.